The following is an entry in ClinVar:

ClinVar aggregate classification (germline): Benign. Review status: criteria provided, multiple submitters, no conflicts (2 of 4 stars). 2 submissions from 2 submitters: Benign (2). Last evaluated 2018-01-12.

Conditions:
Retinal cone dystrophy 4 (RCD4). Identifiers: Orphanet 1872, MedGen C1864849, MONDO:0012507, OMIM 610478.

Allele frequency attached by ClinVar (database versions not stated): 1000 Genomes Project 30x 0.36555; 1000 Genomes Project 0.37220; TOPMed 0.41138; gnomAD 0.42974 and 0.43321; gnomAD exomes 0.44000.
gnomAD v4.1: 66,021 of 152,054 alleles (43%); highest among the groups gnomAD compares: Non-Finnish European, 56%; 16,545 homozygotes.

Submissions (2):

Illumina Laboratory Services, Illumina
Classification: Benign for Retinal cone dystrophy 4. Last evaluated: 2018-01-12. Review status: criteria provided, single submitter. Criteria: ICSL Variant Classification Criteria 13 December 2019. Collection method: clinical testing. Allele origin: germline.
Comment: This variant was observed in the ICSL laboratory as part of a predisposition screen in an ostensibly healthy population. It had not been previously curated by ICSL or reported in the Human Gene Mutation Database (HGMD: prior to June 1st, 2018), and was therefore a candidate for classification through an automated scoring system. Utilizing variant allele frequency, disease prevalence and penetrance estimates, and inheritance mode, an automated score was calculated to assess if this variant is too frequent to cause the disease. Based on the score and internal cut-off values, a variant classified as benign is not then subjected to further curation. The score for this variant resulted in a classification of benign for this disease.

Breakthrough Genomics
Classification: Benign. Review status: criteria provided, single submitter. Criteria: ACMG Guidelines, 2015. Collection method: not provided. Allele origin: germline. Inheritance: Autosomal recessive inheritance. Affected: yes.

NM_172364.5(CACNA2D4):c.*657G>A

Gene: CACNA2D4 (calcium voltage-gated channel auxiliary subunit alpha2delta 4; minus strand). Cytogenetic location: 12p13.33.
Variant type: single nucleotide variant.
Coding change: c.*657G>A on transcript NM_172364.5 (MANE Select); 657 bases downstream of the stop codon, G replaced by A.
Molecular consequence: 3 prime UTR variant.
Genome position (GRCh38, 1-based): chr12:1,792,998, C>T on the plus strand (G>A on the coding strand, the complement: CACNA2D4 is on the minus strand). VCF-style: chr12-1792998-C-T. GRCh37 (hg19) VCF-style: chr12-1902164-C-T.
Identifiers: ClinVar variation 307819 (VCV000307819.6), dbSNP rs2286379, ClinGen allele CA10636944.